The following is an entry in ClinVar:

ClinVar aggregate classification (germline): Benign/Likely benign. Review status: criteria provided, multiple submitters, no conflicts (2 of 4 stars). 3 submissions from 3 submitters: Benign (1); Likely benign (1). 1 of the submissions does not count toward it. Last evaluated 2024-02-12.

Conditions:
HIVEP2-related disorder. Also called: HIVEP2-related condition.
Inborn genetic diseases. Identifiers: MedGen C0950123, MeSH D030342.

Allele frequency attached by ClinVar (database versions not stated): gnomAD exomes below 0.00001; ExAC 0.00001; TOPMed 0.00007; gnomAD 0.00008; 1000 Genomes Project 30x 0.00016; 1000 Genomes Project 0.00020.

Submissions (3):

Ambry Genetics
Classification: Likely benign for Inborn genetic diseases. Last evaluated: 2024-02-12. Review status: criteria provided, single submitter. Criteria: Ambry Variant Classification Scheme 2023. Collection method: clinical testing. Allele origin: germline.

Labcorp Genetics (formerly Invitae), Labcorp
Classification: Benign. Last evaluated: 2023-10-29. Review status: criteria provided, single submitter. Criteria: Invitae Variant Classification Sherloc (09022015). Collection method: clinical testing. Allele origin: germline.

PreventionGenetics, part of Exact Sciences
Classification: Likely benign for HIVEP2-related condition. Last evaluated: 2024-02-21. Review status: no assertion criteria provided. Collection method: clinical testing. Allele origin: germline. Not counted in ClinVar's aggregate classification.
Comment: This variant is classified as likely benign based on ACMG/AMP sequence variant interpretation guidelines (Richards et al. 2015 PMID: 25741868, with internal and published modifications).

NM_006734.4(HIVEP2):c.4622A>G (p.Lys1541Arg)

Gene: HIVEP2 (HIVEP zinc finger 2; minus strand). Cytogenetic location: 6q24.2.
Variant type: single nucleotide variant.
Coding change: c.4622A>G on transcript NM_006734.4 (MANE Select); coding-DNA position 4622, A replaced by G.
Protein change: p.Lys1541Arg; replaces lysine 1541 with arginine.
Molecular consequence: missense variant.
Genome position (GRCh38, 1-based): chr6:142,770,117, T>C on the plus strand (A>G on the coding strand, the complement: HIVEP2 is on the minus strand). VCF-style: chr6-142770117-T-C. GRCh37 (hg19) VCF-style: chr6-143091254-T-C.
Other names: c.4622A>G (NM_006734.3); short protein forms K1541R.
Identifiers: ClinVar variation 2705852 (VCV002705852.6), dbSNP rs573151308, ClinGen allele CA4028042.